The following is an entry in ClinVar:

NM_002334.4(LRP4):c.3508C>T (p.Arg1170Trp)

Gene: LRP4 (LDL receptor related protein 4; minus strand). Cytogenetic location: 11p11.2.
Variant type: single nucleotide variant.
Coding change: c.3508C>T on transcript NM_002334.4 (MANE Select); coding-DNA position 3508, C replaced by T.
Protein change: p.Arg1170Trp; replaces arginine 1170 with tryptophan.
Molecular consequence: missense variant.
Genome position (GRCh38, 1-based): chr11:46,876,494, G>A on the plus strand (C>T on the coding strand, the complement: LRP4 is on the minus strand). VCF-style: chr11-46876494-G-A. GRCh37 (hg19) VCF-style: chr11-46898045-G-A.
Other names: c.3508C>T (NM_002334.3); short protein forms R1170W.
Identifiers: ClinVar variation 30411 (VCV000030411.4), dbSNP rs387906884, ClinGen allele CA129195.

ClinVar aggregate classification (germline): Uncertain significance. Review status: criteria provided, multiple submitters, no conflicts (2 of 4 stars). 4 submissions from 4 submitters: Uncertain significance (3). 1 of the submissions does not count toward it. Last evaluated 2026-08-06.

Conditions:
Congenital myasthenic syndrome 17. Identifiers: Orphanet 590, MedGen C4225377, MONDO:0014578, OMIM 616304.
Cenani-Lenz syndactyly syndrome. Also called: SYNDACTYLY, TYPE VII; CENANI SYNDACTYLISM. Identifiers: Orphanet 3258, MedGen C1859309, MONDO:0008931, OMIM 212780.
Sclerosteosis 2 (SOST2). Identifiers: Orphanet 3152, MedGen C3280402, MONDO:0013679, OMIM 614305.

Allele frequency attached by ClinVar (database versions not stated): gnomAD exomes below 0.00001 and 0.00001; TOPMed below 0.00001; ExAC 0.00002.
gnomAD v4.1: 5 of 1,614,158 alleles (0.00031%); highest among the groups gnomAD compares: East Asian, 0.0022%; no homozygotes.

Submissions (4):

OLLIN Analises Genomicas, OLLIN
Classification: Uncertain significance for Sclerosteosis 2. Last evaluated: 2026-08-06. Review status: criteria provided, single submitter. Criteria: ACMG Guidelines 2015 PMID 25741868. Collection method: clinical testing. Allele origin: germline.
Comment: This missense variant, located in exon 25 (of 38), has been reported in ClinVar (accession VCV000030411.2) and in gnomAD with an allele frequency of 0.00031%. However, to our knowledge, it has not been reported in the scientific literature. In silico analysis predicts that this variant has a deleterious effect. According to the currently available evidence, this variant has been classified as uncertain significance (PM2_P, PP3_M).

GeneDx
Classification: Uncertain significance. Last evaluated: 2026-03-22. Review status: criteria provided, single submitter. Criteria: GeneDx Variant Classification Process June 2021. Collection method: clinical testing. Allele origin: germline.
Comment: Published functional studies suggest a damaging effect through impaired LRP4 and sclerostin interactions (PMID: 31585407, 26751728, 21471202); In silico analysis supports that this missense variant has a deleterious effect on protein structure/function; This variant is associated with the following publications: (PMID: 32286743, 33671084, 30077757, 31585407, 26751728, 21471202, 40824295, 34271473, 28477420, 35052419, 28694256, 35549993, 35563281, 24477413, 25733894, 37448626, 35052478, 24234652, 24594238, 30842262, 38051321)

Labcorp Genetics (formerly Invitae), Labcorp
Classification: Uncertain significance for Cenani-Lenz syndactyly syndrome; Sclerosteosis 2; Congenital myasthenic syndrome 17. Last evaluated: 2025-02-17. Review status: criteria provided, single submitter. Criteria: Invitae Variant Classification Sherloc (09022015). Collection method: clinical testing. Allele origin: germline.
Comment: This sequence change replaces arginine, which is basic and polar, with tryptophan, which is neutral and slightly polar, at codon 1170 of the LRP4 protein (p.Arg1170Trp). This variant is present in population databases (rs387906884, gnomAD 0.006%). This missense change has been observed in individuals with sclerosteosis (PMID: 21471202, 30077757). ClinVar contains an entry for this variant (Variation ID: 30411). Invitae Evidence Modeling of protein sequence and biophysical properties (such as structural, functional, and spatial information, amino acid conservation, physicochemical variation, residue mobility, and thermodynamic stability) indicates that this missense variant is expected to disrupt LRP4 protein function with a positive predictive value of 80%. Experimental studies have shown that this missense change affects LRP4 function (PMID: 21471202, 31585407). This variant disrupts the p.Arg1170 amino acid residue in LRP4. Other variant(s) that disrupt this residue have been observed in individuals with LRP4-related conditions (PMID: 21471202, 26751728, 30077757, 35052419), which suggests that this may be a clinically significant amino acid residue. In summary, the available evidence is currently insufficient to determine the role of this variant in disease. Therefore, it has been classified as a Variant of Uncertain Significance.

OMIM
Classification: Pathogenic for SCLEROSTEOSIS 2. Last evaluated: 2014-04-01. Review status: no assertion criteria provided. Collection method: literature only. Allele origin: germline. Not counted in ClinVar's aggregate classification.

Literature cited by the submitters: PubMed 21471202 (cited by Labcorp Genetics (formerly Invitae), Labcorp and OMIM); PubMed 30077757 (cited by Labcorp Genetics (formerly Invitae), Labcorp); PubMed 31585407 (cited by Labcorp Genetics (formerly Invitae), Labcorp); PubMed 26751728 (cited by Labcorp Genetics (formerly Invitae), Labcorp); PubMed 35052419 (cited by Labcorp Genetics (formerly Invitae), Labcorp); PubMed 11385236 (cited by OMIM); PubMed 24234652 (cited by OMIM).